The following is an entry in ClinVar:

ClinVar aggregate classification (germline): Uncertain significance (1 of 4 stars; one submission).

Conditions:
Compton-North congenital myopathy (CMYO12). Identifiers: Orphanet 210163, MedGen C2675527, MONDO:0012929, OMIM 612540.

Allele frequency attached by ClinVar (database versions not stated): gnomAD exomes below 0.00001; TOPMed below 0.00001.
gnomAD v4.1: 2 of 1,611,222 alleles (0.00012%); highest among the groups gnomAD compares: Admixed American, 0.0017%; no homozygotes.

Submission:

Labcorp Genetics (formerly Invitae), Labcorp
Classification: Uncertain significance for Compton-North congenital myopathy. Last evaluated: 2021-08-01. Review status: criteria provided, single submitter. Criteria: Invitae Variant Classification Sherloc (09022015). Collection method: clinical testing. Allele origin: germline.
Comment: In summary, the available evidence is currently insufficient to determine the role of this variant in disease. Therefore, it has been classified as a Variant of Uncertain Significance. Advanced modeling of protein sequence and biophysical properties (such as structural, functional, and spatial information, amino acid conservation, physicochemical variation, residue mobility, and thermodynamic stability) performed at Invitae indicates that this missense variant is not expected to disrupt CNTN1 protein function. This variant has not been reported in the literature in individuals affected with CNTN1-related conditions. This variant is not present in population databases (ExAC no frequency). This sequence change replaces valine with methionine at codon 259 of the CNTN1 protein (p.Val259Met). The valine residue is highly conserved and there is a small physicochemical difference between valine and methionine.

NM_001843.4(CNTN1):c.775G>A (p.Val259Met)

Gene: CNTN1 (contactin 1; plus strand). Cytogenetic location: 12q12.
Variant type: single nucleotide variant.
Coding change: c.775G>A on transcript NM_001843.4 (MANE Select); coding-DNA position 775, G replaced by A.
Protein change: p.Val259Met; replaces valine 259 with methionine.
Molecular consequence: missense variant.
Genome position (GRCh38, 1-based): chr12:40,933,532, G>A. VCF-style: chr12-40933532-G-A. GRCh37 (hg19) VCF-style: chr12-41327334-G-A.
Other names: c.775G>A, p.Val259Met (NM_001256063.2, NM_001256064.2); c.742G>A, p.Val248Met (NM_175038.2); short protein forms V259M, V248M.
Identifiers: ClinVar variation 1373086 (VCV001373086.6), dbSNP rs1945970944, ClinGen allele CA384423072.